The following is an entry in ClinVar:

ClinVar aggregate classification (germline): Likely benign. Review status: criteria provided, multiple submitters, no conflicts (2 of 4 stars). 2 submissions from 2 submitters: Likely benign (2). Last evaluated 2025-10-13.

Conditions:
Ataxia-telangiectasia syndrome (AT). Also called: LOUIS-BAR SYNDROME; Cerebello-oculocutaneous telangiectasia; Immunodeficiency with ataxia telangiectasia; Ataxia telangiectasia (A-T); Ataxia-telangiectasia, complementation group D; AT, COMPLEMENTATION GROUP C. Identifiers: Orphanet 100, MedGen C0004135, MONDO:0008840, OMIM 208900.
Familial cancer of breast. Also called: BREAST CANCER, FAMILIAL; Hereditary breast cancer; hereditary breast carcinoma. Identifiers: Orphanet 227535, MedGen C0346153, MONDO:0016419, OMIM 114480. Disease mechanism: loss of function.

Allele frequency attached by ClinVar (database versions not stated): gnomAD exomes below 0.00001.
gnomAD v4.1: 1 of 1,611,172 alleles (0.000062%); highest among the groups gnomAD compares: Non-Finnish European, 0.000085%; no homozygotes.

Submissions (2):

Labcorp Genetics (formerly Invitae), Labcorp
Classification: Likely benign for Ataxia-telangiectasia syndrome. Last evaluated: 2025-10-13. Review status: criteria provided, single submitter. Criteria: Invitae Variant Classification Sherloc (09022015). Collection method: clinical testing. Allele origin: germline.

Myriad Genetics, Inc.
Classification: Likely benign for Familial cancer of breast. Last evaluated: 2024-06-17. Review status: criteria provided, single submitter. Criteria: Myriad Autosomal Dominant, Autosomal Recessive and X-Linked Classification Criteria (2023). Collection method: clinical testing. Allele origin: unknown.
Comment: This variant is considered likely benign. This variant is intronic and is not expected to impact mRNA splicing.

NM_000051.4(ATM):c.7789-11T>C

Genes: ATM (ATM serine/threonine kinase; plus strand), C11orf65 (chromosome 11 open reading frame 65; minus strand). Cytogenetic location: 11q22.3.
Variant type: single nucleotide variant.
Coding change: c.7789-11T>C on transcript NM_000051.4 (MANE Select); 11 bases into the intron before coding-DNA position 7789, T replaced by C.
Molecular consequence: intron variant.
Genome position (GRCh38, 1-based): chr11:108,332,751, T>C. VCF-style: chr11-108332751-T-C. GRCh37 (hg19) VCF-style: chr11-108203478-T-C.
Other names: c.641-23680A>G (NM_001330368.2); c.*38+2469A>G (NM_001351110.2); c.7789-11T>C (NM_001351834.2).
Identifiers: ClinVar variation 2790180 (VCV002790180.4), dbSNP rs2547297406, ClinGen allele CA2615862260.
Genomic context (GRCh38, chr11:108,332,751, plus strand): 5'-GTTTTTCTAACTCTGAGAAGTTTAAATGTTGGGTAGTTCCTTATGTAATGTTTTTTGTTT[T>C]TTATTAATAGGATCGAACAGAGGCTGCAAATAGAATAATATGTACTATCAGAAGTAGGAG-3'